The following is an entry in ClinVar:

ClinVar aggregate classification (germline): Likely pathogenic. Review status: criteria provided, multiple submitters, no conflicts (2 of 4 stars). 2 submissions from 2 submitters: Likely pathogenic (2). Last evaluated 2025-03-18.

Conditions:
Nemaline myopathy. Also called: Myopathies, Nemaline. Identifiers: Orphanet 607, MedGen C0206157, MONDO:0018958.
Arthrogryposis multiplex congenita 6. Identifiers: MedGen C5543431, MONDO:0030281, OMIM 619334.

Allele frequency attached by ClinVar (database versions not stated): gnomAD exomes below 0.00001; TOPMed below 0.00001; gnomAD 0.00001.
gnomAD v4.1: 2 of 1,554,398 alleles (0.00013%); highest among the groups gnomAD compares: East Asian, 0.0023%; no homozygotes.

Submissions (2):

Broad Center for Mendelian Genomics, Broad Institute of MIT and Harvard
Classification: Likely pathogenic for Nemaline myopathy. Last evaluated: 2025-03-18. Review status: criteria provided, single submitter. Criteria: ACMG Guidelines, 2015. Collection method: curation. Allele origin: germline. Inheritance: Autosomal recessive inheritance.
Comment: The c.7227+1G>A variant in NEB has not been previously reported in the literature in individuals with nemaline myopathy, but has been identified in 0.002% (1/44376) of East Asian chromosomes by the Genome Aggregation Database (gnomAD; dbSNP ID: rs1459939417). Although this variant has been seen in the general population in a heterozygous state, its frequency is low enough to be consistent with a recessive carrier frequency. This variant has also been reported in ClinVar (Variation ID: 2677156) and has been interpreted as likely pathogenic by Baylor Genetics. This variant is located in the 5' splice region. SpliceAI predictions indicate use of an out-of-frame cryptic splice site 5 bases from the intron-exon boundary, providing evidence that this variant may cause a frameshift and lead to a premature termination codon downstream. This alteration is then predicted to lead to a truncated or absent protein. However, this information is not predictive enough to determine pathogenicity. Loss of function of the NEB gene is an established disease mechanism in autosomal recessive nemaline myopathy. In summary, although additional studies are required to fully establish its clinical significance, this variant is likely pathogenic for autosomal recessive nemaline myopathy. ACMG/AMP Criteria applied: PVS1, PM2_supporting (Richards 2015).

Baylor Genetics
Classification: Likely pathogenic for Arthrogryposis multiplex congenita 6. Last evaluated: 2022-09-23. Review status: criteria provided, single submitter. Criteria: ACMG Guidelines, 2015. Collection method: clinical testing. Allele origin: unknown.

NM_001164508.2(NEB):c.7227+1G>A

Gene: NEB (nebulin; minus strand). Cytogenetic location: 2q23.3.
Variant type: single nucleotide variant.
Coding change: c.7227+1G>A on transcript NM_001164508.2 (MANE Select); the canonical splice donor site of the intron after coding-DNA position 7227, G replaced by A.
Molecular consequence: splice donor variant.
Genome position (GRCh38, 1-based): chr2:151,650,573, C>T on the plus strand (G>A on the coding strand, the complement: NEB is on the minus strand). VCF-style: chr2-151650573-C-T. GRCh37 (hg19) VCF-style: chr2-152507087-C-T.
Other names: c.7227+1G>A (NM_004543.5, NM_001164507.2, NM_001271208.2 and 1 more transcripts).
Identifiers: ClinVar variation 2677156 (VCV002677156.2), dbSNP rs1459939417, ClinGen allele CA348789036.